The following is an entry in ClinVar:

ClinVar aggregate classification (germline): Uncertain significance. Review status: criteria provided, multiple submitters, no conflicts (2 of 4 stars). 2 submissions from 2 submitters: Uncertain significance (2). Last evaluated 2026-04-02.

gnomAD v4.1: 251 of 1,596,294 alleles (0.016%); highest among the groups gnomAD compares: Non-Finnish European, 0.019%; no homozygotes.

Submissions (2):

GeneDx
Classification: Uncertain significance. Last evaluated: 2026-04-02. Review status: criteria provided, single submitter. Criteria: GeneDx Variant Classification Process June 2021. Collection method: clinical testing. Allele origin: germline.
Comment: In silico analysis supports that this missense variant has a deleterious effect on protein structure/function; Has not been previously published as pathogenic or benign to our knowledge

Ambry Genetics
Classification: Uncertain significance. Last evaluated: 2025-08-08. Review status: criteria provided, single submitter. Criteria: Ambry Variant Classification Scheme 2023. Collection method: clinical testing. Allele origin: germline.

NM_001378.3(DYNC1I2):c.701A>G (p.Glu234Gly)

Gene: DYNC1I2 (dynein cytoplasmic 1 intermediate chain 2; plus strand). Cytogenetic location: 2q31.1.
Variant type: single nucleotide variant.
Coding change: c.701A>G on transcript NM_001378.3 (MANE Select); coding-DNA position 701, A replaced by G.
Protein change: p.Glu234Gly; replaces glutamic acid 234 with glycine.
Molecular consequence: missense variant.
Genome position (GRCh38, 1-based): chr2:171,726,012, A>G. VCF-style: chr2-171726012-A-G. GRCh37 (hg19) VCF-style: chr2-172582522-A-G.
Other names: c.701A>G, p.Glu234Gly (NM_001271785.2); c.677A>G, p.Glu226Gly (NM_001271786.2, NM_001271787.2); c.623A>G, p.Glu208Gly (NM_001271788.2, NM_001271789.2, NM_001271790.2 and 1 more transcripts); c.683A>G, p.Glu228Gly (NM_001320882.2, NM_001320883.2, NM_001378455.1 and 1 more transcripts); c.701A>G (NM_001378.2); short protein forms E208G, E228G, E234G, E226G.
Identifiers: ClinVar variation 4245748 (VCV004245748.2).